The following is an entry in ClinVar:

ClinVar aggregate classification (germline): Uncertain significance. Review status: criteria provided, multiple submitters, no conflicts (2 of 4 stars). 3 submissions from 3 submitters: Uncertain significance (3). Last evaluated 2025-12-22.

Conditions:
KIT-related disorder. Also called: KIT-related condition.
Hereditary cancer-predisposing syndrome. Also called: Neoplastic Syndromes, Hereditary; Tumor predisposition; Hereditary Cancer Syndrome; Hereditary neoplastic syndrome. Identifiers: Orphanet 140162, MedGen C0027672, MeSH D009386, MONDO:0015356.
Gastrointestinal stromal tumor. Also called: Gastrointestinal stroma tumor; Gastrointestinal stromal tumor, somatic. Identifiers: Orphanet 44890, MedGen C0238198, MeSH D046152, MONDO:0011719, OMIM 606764, HP:0100723.

Allele frequency attached by ClinVar (database versions not stated): gnomAD exomes below 0.00001; ExAC 0.00001; gnomAD 0.00003.
gnomAD v4.1: 4 of 1,613,756 alleles (0.00025%); highest among the groups gnomAD compares: Non-Finnish European, 0.00034%; no homozygotes.

Submissions (3):

Labcorp Genetics (formerly Invitae), Labcorp
Classification: Uncertain significance for Gastrointestinal stromal tumor. Last evaluated: 2025-12-22. Review status: criteria provided, single submitter. Criteria: Invitae Variant Classification Sherloc (09022015). Collection method: clinical testing. Allele origin: germline.
Comment: This sequence change replaces aspartic acid, which is acidic and polar, with asparagine, which is neutral and polar, at codon 696 of the KIT protein (p.Asp696Asn). This variant is present in population databases (rs781588289, gnomAD 0.004%). This variant has not been reported in the literature in individuals affected with KIT-related conditions. ClinVar contains an entry for this variant (Variation ID: 581893). An algorithm developed to predict the effect of missense changes on protein structure and function (PolyPhen-2) suggests that this variant is likely to be disruptive. In summary, the available evidence is currently insufficient to determine the role of this variant in disease. Therefore, it has been classified as a Variant of Uncertain Significance.

PreventionGenetics, part of Exact Sciences
Classification: Uncertain significance for KIT-related condition. Last evaluated: 2025-03-26. Review status: criteria provided, single submitter. Criteria: ACMG Guidelines, 2015. Collection method: clinical testing. Allele origin: germline.
Comment: The KIT c.2086G>A variant is predicted to result in the amino acid substitution p.Asp696Asn. To our knowledge, this variant has not been reported in the literature. This variant is reported in 0.011% of alleles in individuals of African descent in gnomAD and is interpreted as uncertain in ClinVar. At this time, the clinical significance of this variant is uncertain due to the absence of conclusive functional and genetic evidence.

Ambry Genetics
Classification: Uncertain significance for Hereditary cancer-predisposing syndrome. Last evaluated: 2024-07-07. Review status: criteria provided, single submitter. Criteria: Ambry Variant Classification Scheme 2023. Collection method: clinical testing. Allele origin: germline.
Comment: The p.D696N variant (also known as c.2086G>A), located in coding exon 14 of the KIT gene, results from a G to A substitution at nucleotide position 2086. The aspartic acid at codon 696 is replaced by asparagine, an amino acid with highly similar properties. This amino acid position is conserved. In addition, this alteration is predicted to be tolerated by in silico analysis. Since supporting evidence is limited at this time, the clinical significance of this alteration remains unclear.

NM_000222.3(KIT):c.2086G>A (p.Asp696Asn)

Gene: KIT (KIT proto-oncogene, receptor tyrosine kinase; plus strand). Cytogenetic location: 4q12.
Variant type: single nucleotide variant.
Coding change: c.2086G>A on transcript NM_000222.3 (MANE Select); coding-DNA position 2086, G replaced by A.
Protein change: p.Asp696Asn; replaces aspartic acid 696 with asparagine.
Molecular consequence: missense variant.
Genome position (GRCh38, 1-based): chr4:54,729,430, G>A. VCF-style: chr4-54729430-G-A. GRCh37 (hg19) VCF-style: chr4-55595596-G-A.
Other names: c.2074G>A, p.Asp692Asn (NM_001093772.2, NM_001385286.1); c.2089G>A, p.Asp697Asn (NM_001385284.1, NM_001385290.1); c.2086G>A, p.Asp696Asn (NM_001385285.1); c.2077G>A, p.Asp693Asn (NM_001385288.1, NM_001385292.1); short protein forms D696N, D692N, D693N, D697N.
Identifiers: ClinVar variation 581893 (VCV000581893.13), dbSNP rs781588289, ClinGen allele CA2923641.